The following is an entry in ClinVar:

ClinVar aggregate classification (germline): Uncertain significance (1 of 4 stars; one submission).

Conditions:
Bloom syndrome (BLM). Also called: Bloom-Torre-Machacek syndrome. Identifiers: Orphanet 125, MedGen C0005859, MONDO:0008876, OMIM 210900.

gnomAD v4.1: 4 of 1,614,172 alleles (0.00025%); highest among the groups gnomAD compares: Non-Finnish European, 0.00034%; no homozygotes.

Submission:

Labcorp Genetics (formerly Invitae), Labcorp
Classification: Uncertain significance for Bloom syndrome. Last evaluated: 2025-09-20. Review status: criteria provided, single submitter. Criteria: Invitae Variant Classification Sherloc (09022015). Collection method: clinical testing. Allele origin: germline.
Comment: This sequence change replaces alanine, which is neutral and non-polar, with serine, which is neutral and polar, at codon 1327 of the BLM protein (p.Ala1327Ser). This variant is not present in population databases (gnomAD no frequency). This variant has not been reported in the literature in individuals affected with BLM-related conditions. ClinVar contains an entry for this variant (Variation ID: 1352610). Invitae Evidence Modeling of protein sequence and biophysical properties (such as structural, functional, and spatial information, amino acid conservation, physicochemical variation, residue mobility, and thermodynamic stability) indicates that this missense variant is not expected to disrupt BLM protein function with a negative predictive value of 80%. In summary, the available evidence is currently insufficient to determine the role of this variant in disease. Therefore, it has been classified as a Variant of Uncertain Significance.

NM_000057.4(BLM):c.3979G>T (p.Ala1327Ser)

Gene: BLM (BLM RecQ like helicase; plus strand). Cytogenetic location: 15q26.1.
Variant type: single nucleotide variant.
Coding change: c.3979G>T on transcript NM_000057.4 (MANE Select); coding-DNA position 3979, G replaced by T.
Protein change: p.Ala1327Ser; replaces alanine 1327 with serine.
Molecular consequence: missense variant.
Genome position (GRCh38, 1-based): chr15:90,811,309, G>T. VCF-style: chr15-90811309-G-T. GRCh37 (hg19) VCF-style: chr15-91354539-G-T.
Other names: c.3979G>T, p.Ala1327Ser (NM_001287246.2); c.3586G>T, p.Ala1196Ser (NM_001287247.2); c.2854G>T, p.Ala952Ser (NM_001287248.2); short protein forms A952S, A1196S, A1327S.
Identifiers: ClinVar variation 1352610 (VCV001352610.6), dbSNP rs2151199875, ClinGen allele CA393851021.